The following is an entry in ClinVar:

NM_001195263.2(PDZD7):c.2705G>A (p.Ser902Asn)

Gene: PDZD7 (PDZ domain containing 7; minus strand). Cytogenetic location: 10q24.31.
Variant type: single nucleotide variant.
Coding change: c.2705G>A on transcript NM_001195263.2 (MANE Select); coding-DNA position 2705, G replaced by A.
Protein change: p.Ser902Asn; replaces serine 902 with asparagine.
Molecular consequence: missense variant.
Genome position (GRCh38, 1-based): chr10:101,009,263, C>T on the plus strand (G>A on the coding strand, the complement: PDZD7 is on the minus strand). VCF-style: chr10-101009263-C-T. GRCh37 (hg19) VCF-style: chr10-102769020-C-T.
Other names: short protein forms S902N.
Identifiers: ClinVar variation 1511370 (VCV001511370.6), dbSNP rs2133994303, ClinGen allele CA378223531.

ClinVar aggregate classification (germline): Uncertain significance (1 of 4 stars; one submission).

Submission:

Labcorp Genetics (formerly Invitae), Labcorp
Classification: Uncertain significance. Last evaluated: 2023-12-07. Review status: criteria provided, single submitter. Criteria: Invitae Variant Classification Sherloc (09022015). Collection method: clinical testing. Allele origin: germline.
Comment: This sequence change replaces serine, which is neutral and polar, with asparagine, which is neutral and polar, at codon 902 of the PDZD7 protein (p.Ser902Asn). This variant is not present in population databases (gnomAD no frequency). This variant has not been reported in the literature in individuals affected with PDZD7-related conditions. ClinVar contains an entry for this variant (Variation ID: 1511370). Experimental studies and prediction algorithms are not available or were not evaluated, and the functional significance of this variant is currently unknown. In summary, the available evidence is currently insufficient to determine the role of this variant in disease. Therefore, it has been classified as a Variant of Uncertain Significance.